The following is an entry in ClinVar:

NM_003466.4(PAX8):c.928G>T (p.Glu310Ter)

Genes: PAX8-AS1 (PAX8 antisense RNA 1; plus strand), PAX8 (paired box 8; minus strand). Cytogenetic location: 2q14.1.
Variant type: single nucleotide variant.
Coding change: c.928G>T on transcript NM_003466.4 (MANE Select); coding-DNA position 928, G replaced by T.
Protein change: p.Glu310Ter; replaces glutamic acid 310 with a stop codon.
Molecular consequence: nonsense. On other transcripts: non-coding transcript variant (1), intron variant (3).
Genome position (GRCh38, 1-based): chr2:113,235,553, C>A on the plus strand (G>T on the coding strand, the complement: PAX8 is on the minus strand). VCF-style: chr2-113235553-C-A. GRCh37 (hg19) VCF-style: chr2-113993130-C-A.
Other names: c.777+5998G>T (NM_013992.4, NM_013953.4); c.899-50G>T (NM_013952.4); short protein forms E310*.
Identifiers: ClinVar variation 4531763 (VCV004531763.1).

ClinVar aggregate classification (germline): Likely pathogenic (1 of 4 stars; one submission).

Conditions:
Hypothyroidism, congenital, nongoitrous, 2 (CHNG2). Also called: Hypothyroidism, congenital, due to thyroid dysgenesis or hypoplasia. Identifiers: Orphanet 95712, MedGen C1869118, MONDO:0024264, OMIM 218700.

Submission:

Victorian Clinical Genetics Services, Murdoch Childrens Research Institute
Classification: Likely pathogenic for Hypothyroidism, congenital, nongoitrous, 2. Last evaluated: 2025-09-11. Review status: criteria provided, single submitter. Criteria: ACMG Guidelines, 2015. Collection method: clinical testing. Allele origin: germline. Affected: yes.
Comment: This variant is classified as Likely pathogenic. Evidence in support of pathogenic classification: Variant is predicted to cause nonsense-mediated decay (NMD) and loss of protein (premature termination codon is located at least 54 nucleotides upstream of the final exon-exon junction); Variant is absent from gnomAD (v2, v3 and v4); Other NMD-predicted variant(s) comparable to the one identified in this case have very strong previous evidence for pathogenicity (DECIPHER; PMIDs: 26362610, 32096550, 33773966). Additional information: This variant is heterozygous; This gene is associated with autosomal dominant disease; This variant has no previous evidence of pathogenicity; No published evidence of segregation with disease has been identified for this variant; No published functional evidence has been identified for this variant; Loss of function and dominant negative are suggested mechanisms of disease in this gene and are associated with hypothyroidism, congenital, due to thyroid dysgenesis or hypoplasia (MIM#218700) (ClinGen); The condition associated with this gene has incomplete penetrance (OMIM); Variants in this gene are known to have variable expressivity (OMIM).

Literature cited by the submitters: PubMed 33773966; PubMed 32096550; PubMed 26362610.